The following is an entry in ClinVar:

NM_006796.3(AFG3L2):c.361A>C (p.Lys121Gln)

Gene: AFG3L2 (AFG3 like matrix AAA peptidase subunit 2; minus strand). Cytogenetic location: 18p11.21.
Variant type: single nucleotide variant.
Coding change: c.361A>C on transcript NM_006796.3 (MANE Select); coding-DNA position 361, A replaced by C.
Protein change: p.Lys121Gln; replaces lysine 121 with glutamine.
Molecular consequence: missense variant.
Genome position (GRCh38, 1-based): chr18:12,367,314, T>G on the plus strand (A>C on the coding strand, the complement: AFG3L2 is on the minus strand). VCF-style: chr18-12367314-T-G. GRCh37 (hg19) VCF-style: chr18-12367313-T-G.
Other names: short protein forms K121Q.
Identifiers: ClinVar variation 2627485 (VCV002627485.1), dbSNP rs781722307, ClinGen allele CA8896758.

ClinVar aggregate classification (germline): Uncertain significance (1 of 4 stars; one submission).

Conditions:
Spastic ataxia 5. Also called: Spastic Ataxia Type 5 (SPAX5). Identifiers: Orphanet 313772, MedGen C3280977, MONDO:0013776, OMIM 614487.

Allele frequency attached by ClinVar (database versions not stated): gnomAD exomes below 0.00001; TOPMed below 0.00001; ExAC 0.00001; gnomAD 0.00001.
gnomAD v4.1: 2 of 1,614,106 alleles (0.00012%); highest among the groups gnomAD compares: Non-Finnish European, 0.00017%; no homozygotes.

Submission:

Neuberg Centre For Genomic Medicine, NCGM
Classification: Uncertain significance for Spastic ataxia 5. Review status: criteria provided, single submitter. Criteria: ACMG Guidelines, 2015. Collection method: clinical testing. Allele origin: germline. Inheritance: Autosomal recessive inheritance. Affected: yes.
Comment: The missense variant p.K121Q in AFG3L2 (NM_006796.3) has not been reported previously as a pathogenic variant nor as a benign variant, to our knowledge. The p.K121Q missense variant is predicted to be damaging by both SIFT and PolyPhen2. The nucleotide c.361 in AFG3L2 is predicted conserved by GERP++ and PhyloP across 100 vertebrates. For these reasons, this variant has been classified as Uncertain Significance.